The following is an entry in ClinVar:

NM_000238.4(KCNH2):c.2459G>A (p.Gly820Glu)

Gene: KCNH2 (potassium voltage-gated channel subfamily H member 2; minus strand). Cytogenetic location: 7q36.1.
Variant type: single nucleotide variant.
Coding change: c.2459G>A on transcript NM_000238.4 (MANE Select); coding-DNA position 2459, G replaced by A.
Protein change: p.Gly820Glu; replaces glycine 820 with glutamic acid.
Molecular consequence: missense variant.
Genome position (GRCh38, 1-based): chr7:150,948,989, C>T on the plus strand (G>A on the coding strand, the complement: KCNH2 is on the minus strand). VCF-style: chr7-150948989-C-T. GRCh37 (hg19) VCF-style: chr7-150646077-C-T.
Other names: c.2171G>A, p.Gly724Glu (NM_001406753.1); c.1439G>A, p.Gly480Glu (NM_172057.3); short protein forms G724E, G480E, G820E.
Identifiers: ClinVar variation 1791593 (VCV001791593.2), dbSNP rs2486015922, ClinGen allele CA369855205.
Genomic context (GRCh38, chr7:150,948,989, plus strand): 5'-TCCAGCAGGTCGTCCCGATGGATCTTGTGTAGGTCACAGTAGGTGAGGGCCCGCACATCC[C>T]CGTTCGACTTGCCAGGCCTTGCATACAGGTTCAGAGGCTCCCCAAAGATGTCATTCTTCC-3'
Protein context (NP_000229.1, residues 810-830): NLYARPGKSN[Gly820Glu]DVRALTYCDL

ClinVar aggregate classification (germline): Uncertain significance (1 of 4 stars; one submission).

Conditions:
Cardiovascular phenotype. Identifiers: MedGen CN230736.

Allele frequency attached by ClinVar (database versions not stated): gnomAD exomes below 0.00001.
gnomAD v4.1: 1 of 1,614,038 alleles (0.000062%); highest among the groups gnomAD compares: Non-Finnish European, 0.000085%; no homozygotes.

Submission:

Ambry Genetics
Classification: Uncertain significance for Cardiovascular phenotype. Last evaluated: 2018-03-08. Review status: criteria provided, single submitter. Criteria: Ambry Variant Classification Scheme 2023. Collection method: clinical testing. Allele origin: germline.
Comment: The p.G820E variant (also known as c.2459G>A), located in coding exon 10 of the KCNH2 gene, results from a G to A substitution at nucleotide position 2459. The glycine at codon 820 is replaced by glutamic acid, an amino acid with similar properties. This alteration has been reported in a long QT syndrome genetic testing cohort; however, clinical information was limited (Lieve KV et al. Genet Test Mol Biomarkers. 2013;17:553-61). This amino acid position is not well conserved in available vertebrate species. In addition, this alteration is predicted to be deleterious by in silico analysis. Since supporting evidence is limited at this time, the clinical significance of this alteration remains unclear.

Literature cited by the submitters: PubMed 23631430.